The following is an entry in ClinVar:

ClinVar aggregate classification (germline): Conflicting classifications of pathogenicity. Review status: criteria provided, conflicting classifications (1 of 4 stars). 7 submissions from 7 submitters: Uncertain significance (1); Benign (4); Likely benign (2). Last evaluated 2025-11-24.

Conditions:
Inborn genetic diseases. Identifiers: MedGen C0950123, MeSH D030342.
Maturity-onset diabetes of the young type 10. Identifiers: Orphanet 552, MedGen C3150617, MONDO:0013240, OMIM 613370.

Allele frequency attached by ClinVar (database versions not stated): gnomAD exomes 0.00066 and 0.00148; ExAC 0.00192; gnomAD 0.00506 and 0.00546; 1000 Genomes Project 0.00579; ESP Exome Variant Server 0.00600; TOPMed 0.00606; 1000 Genomes Project 30x 0.00625.

Submissions (7):

Labcorp Genetics (formerly Invitae), Labcorp
Classification: Benign. Last evaluated: 2025-11-24. Review status: criteria provided, single submitter. Criteria: Invitae Variant Classification Sherloc (09022015). Collection method: clinical testing. Allele origin: germline.

Blueprint Genetics
Classification: Likely benign. Last evaluated: 2024-11-18. Review status: criteria provided, single submitter. Criteria: ACMG Guidelines, 2015. Collection method: clinical testing. Allele origin: germline.

Ambry Genetics
Classification: Likely benign for Inborn genetic diseases. Last evaluated: 2022-03-07. Review status: criteria provided, single submitter. Criteria: Ambry Variant Classification Scheme 2023. Collection method: clinical testing. Allele origin: germline.

GeneDx
Classification: Benign. Last evaluated: 2020-07-30. Review status: criteria provided, single submitter. Criteria: GeneDx Variant Classification Process June 2021. Collection method: clinical testing. Allele origin: germline. Affected: yes.

Breakthrough Genomics
Classification: Benign. Review status: criteria provided, single submitter. Criteria: ACMG Guidelines, 2015. Collection method: not provided. Allele origin: germline. Inheritance: Autosomal dominant inheritance. Affected: yes.

Clinical Genomics, Uppaluri K&H Personalized Medicine Clinic
Classification: Uncertain significance for Maturity-onset diabetes of the young type 10. Review status: criteria provided, single submitter. Criteria: K &amp; H Uppaluri Personalized Medicine Clinic Variant Classification &amp; Assertion Criteria_Updated V.1. Collection method: research. Allele origin: unknown. Inheritance: Autosomal dominant inheritance.
Comment: Potent mutations in the INS gene can cause early onset diabetes mellitus which is insulin dependent. May have poor response to sulfonylureas, mutations in this gene can cause beta cell destruction.However, more evidence is required to confer the association of this particular synonymous variant P21P/ rs11564720 with Maturity-onset diabetes of the young (MODY).

PreventionGenetics, part of Exact Sciences
Classification: Benign. Review status: criteria provided, single submitter. Criteria: ACMG Guidelines, 2015. Collection method: clinical testing. Allele origin: germline.

Literature cited by the submitters: PubMed 18162506 (cited by Clinical Genomics, Uppaluri K&H Personalized Medicine Clinic).

NM_000207.3(INS):c.63A>G (p.Pro21=)

Genes: INS (insulin; minus strand), INS-IGF2 (INS-IGF2 readthrough; minus strand). Cytogenetic location: 11p15.5.
Variant type: single nucleotide variant.
Coding change: c.63A>G on transcript NM_000207.3 (MANE Select); coding-DNA position 63, A replaced by G.
Protein change: p.Pro21=; no amino-acid change (proline 21 retained).
Molecular consequence: synonymous variant. On other transcripts: non-coding transcript variant (1).
Genome position (GRCh38, 1-based): chr11:2,160,909, T>C on the plus strand (A>G on the coding strand, the complement: INS is on the minus strand). VCF-style: chr11-2160909-T-C. GRCh37 (hg19) VCF-style: chr11-2182139-T-C.
Other names: c.63A>G, p.Pro21= (NM_001185097.2, NM_001185098.2, NM_001291897.2 and 1 more transcripts).
Identifiers: ClinVar variation 255533 (VCV000255533.19), dbSNP rs11564720, ClinGen allele CA5818196.